The following is an entry in ClinVar:

NM_032578.4(MYPN):c.1543T>A (p.Cys515Ser)

Gene: MYPN (myopalladin; plus strand). Cytogenetic location: 10q21.3.
Variant type: single nucleotide variant.
Coding change: c.1543T>A on transcript NM_032578.4 (MANE Select); coding-DNA position 1543, T replaced by A.
Protein change: p.Cys515Ser; replaces cysteine 515 with serine.
Molecular consequence: missense variant. On other transcripts: non-coding transcript variant (2).
Genome position (GRCh38, 1-based): chr10:68,165,761, T>A. VCF-style: chr10-68165761-T-A. GRCh37 (hg19) VCF-style: chr10-69925518-T-A.
Other names: c.1543T>A, p.Cys515Ser (NM_001256267.2); c.661T>A, p.Cys221Ser (NM_001256268.2); short protein forms C515S, C221S.
Identifiers: ClinVar variation 4116168 (VCV004116168.1).

ClinVar aggregate classification (germline): Uncertain significance (1 of 4 stars; one submission).

Conditions:
Cardiovascular phenotype. Identifiers: MedGen CN230736.

gnomAD v4.1: 1 of 1,614,188 alleles (0.000062%); highest among the groups gnomAD compares: South Asian, 0.0011%; no homozygotes.

Submission:

Ambry Genetics
Classification: Uncertain significance for Cardiovascular phenotype. Last evaluated: 2025-08-12. Review status: criteria provided, single submitter. Criteria: Ambry Variant Classification Scheme 2023. Collection method: clinical testing. Allele origin: germline.
Comment: The p.C515S variant (also known as c.1543T>A), located in coding exon 8 of the MYPN gene, results from a T to A substitution at nucleotide position 1543. The cysteine at codon 515 is replaced by serine, an amino acid with dissimilar properties. This amino acid position is conserved. In addition, this alteration is predicted to be deleterious by in silico analysis. Based on the available evidence, the clinical significance of this variant remains unclear.